The following is an entry in ClinVar:

NM_003816.3(ADAM9):c.326A>G (p.Asn109Ser)

Gene: ADAM9 (ADAM metallopeptidase domain 9; plus strand). Cytogenetic location: 8p11.22.
Variant type: single nucleotide variant.
Coding change: c.326A>G on transcript NM_003816.3 (MANE Select); coding-DNA position 326, A replaced by G.
Protein change: p.Asn109Ser; replaces asparagine 109 with serine.
Molecular consequence: missense variant. On other transcripts: non-coding transcript variant (3).
Genome position (GRCh38, 1-based): chr8:39,014,036, A>G. VCF-style: chr8-39014036-A-G. GRCh37 (hg19) VCF-style: chr8-38871555-A-G.
Other names: short protein forms N109S.
Identifiers: ClinVar variation 841956 (VCV000841956.6), dbSNP rs550158378, ClinGen allele CA4721283.

ClinVar aggregate classification (germline): Conflicting classifications of pathogenicity. Review status: criteria provided, conflicting classifications (1 of 4 stars). 2 submissions from 2 submitters: Uncertain significance (1); Likely benign (1). Last evaluated 2024-08-11.

Allele frequency attached by ClinVar (database versions not stated): gnomAD exomes 0.00003 and 0.00008; TOPMed 0.00003; gnomAD 0.00004 and 0.00007; ExAC 0.00005; 1000 Genomes Project 30x 0.00016; 1000 Genomes Project 0.00020.
gnomAD v4.1: 59 of 1,611,716 alleles (0.0037%); highest among the groups gnomAD compares: East Asian, 0.071%; 1 homozygote.

Submissions (2):

Blueprint Genetics
Classification: Likely benign. Last evaluated: 2024-08-11. Review status: criteria provided, single submitter. Criteria: ACMG Guidelines, 2015. Collection method: clinical testing. Allele origin: germline.

Labcorp Genetics (formerly Invitae), Labcorp
Classification: Uncertain significance. Last evaluated: 2022-09-13. Review status: criteria provided, single submitter. Criteria: Invitae Variant Classification Sherloc (09022015). Collection method: clinical testing. Allele origin: germline.
Comment: In summary, the available evidence is currently insufficient to determine the role of this variant in disease. Therefore, it has been classified as a Variant of Uncertain Significance. Algorithms developed to predict the effect of sequence changes on RNA splicing suggest that this variant may create or strengthen a splice site. Advanced modeling of protein sequence and biophysical properties (such as structural, functional, and spatial information, amino acid conservation, physicochemical variation, residue mobility, and thermodynamic stability) performed at Invitae indicates that this missense variant is not expected to disrupt ADAM9 protein function. ClinVar contains an entry for this variant (Variation ID: 841956). This variant has not been reported in the literature in individuals affected with ADAM9-related conditions. This variant is present in population databases (rs550158378, gnomAD 0.08%). This sequence change replaces asparagine, which is neutral and polar, with serine, which is neutral and polar, at codon 109 of the ADAM9 protein (p.Asn109Ser).